The following is an entry in ClinVar:

NM_001349253.2(SCN11A):c.5359A>G (p.Lys1787Glu)

Gene: SCN11A (sodium voltage-gated channel alpha subunit 11; minus strand). Cytogenetic location: 3p22.2.
Variant type: single nucleotide variant.
Coding change: c.5359A>G on transcript NM_001349253.2 (MANE Select); coding-DNA position 5359, A replaced by G.
Protein change: p.Lys1787Glu; replaces lysine 1787 with glutamic acid.
Molecular consequence: missense variant.
Genome position (GRCh38, 1-based): chr3:38,846,711, T>C on the plus strand (A>G on the coding strand, the complement: SCN11A is on the minus strand). VCF-style: chr3-38846711-T-C. GRCh37 (hg19) VCF-style: chr3-38888202-T-C.
Other names: c.5359A>G, p.Lys1787Glu (NM_014139.3); short protein forms K1787E.
Identifiers: ClinVar variation 474749 (VCV000474749.41), dbSNP rs199522402, ClinGen allele CA2321347.
Genomic context (GRCh38, chr3:38,846,711, plus strand): 5'-AGGCAAGGCTGTGAAGCTATGAGGTAGGCGTGGAGGTGAGGGCTCAGTCACAGTGGACCT[T>C]GCCCTTGGCCACCCCAAAGCTAGACAAGTCTCCATTGCAAAGAGTCTGGAGTGGTGAATG-3'
Protein context (NP_001336182.1, residues 1777-1791): DLSSFGVAKG[Lys1787Glu]VHCD

ClinVar aggregate classification (germline): Conflicting classifications of pathogenicity. Review status: criteria provided, conflicting classifications (1 of 4 stars). 4 submissions from 4 submitters: Uncertain significance (2); Likely benign (2). Last evaluated 2024-10-27.

Conditions:
Inborn genetic diseases. Identifiers: MedGen C0950123, MeSH D030342.
Hereditary sensory and autonomic neuropathy type 7. Also called: Neuropathy, hereditary sensory and autonomic, type VII; HSAN VII. Identifiers: Orphanet 391397, MedGen C3809882, MONDO:0014244, OMIM 615548.
Familial episodic pain syndrome with predominantly lower limb involvement. Also called: Episodic pain syndrome, familial, 3. Identifiers: Orphanet 391384, Orphanet 391392, MedGen C3809899, MONDO:0014247, OMIM 615552.

Allele frequency attached by ClinVar (database versions not stated): ExAC 0.00006; ESP Exome Variant Server 0.00008; gnomAD exomes 0.00008; TOPMed 0.00011; gnomAD 0.00012.
gnomAD v4.1: 317 of 1,613,882 alleles (0.02%); highest among the groups gnomAD compares: Non-Finnish European, 0.025%; no homozygotes.

Submissions (4):

Labcorp Genetics (formerly Invitae), Labcorp
Classification: Uncertain significance for Familial episodic pain syndrome with predominantly lower limb involvement; Hereditary sensory and autonomic neuropathy type 7. Last evaluated: 2024-10-27. Review status: criteria provided, single submitter. Criteria: Invitae Variant Classification Sherloc (09022015). Collection method: clinical testing. Allele origin: germline.
Comment: This sequence change replaces lysine, which is basic and polar, with glutamic acid, which is acidic and polar, at codon 1787 of the SCN11A protein (p.Lys1787Glu). This variant is present in population databases (rs199522402, gnomAD 0.02%). This variant has not been reported in the literature in individuals affected with SCN11A-related conditions. ClinVar contains an entry for this variant (Variation ID: 474749). An algorithm developed to predict the effect of missense changes on protein structure and function (PolyPhen-2) suggests that this variant is likely to be disruptive. In summary, the available evidence is currently insufficient to determine the role of this variant in disease. Therefore, it has been classified as a Variant of Uncertain Significance.

CeGaT Center for Human Genetics Tuebingen
Classification: Likely benign. Last evaluated: 2022-04-01. Review status: criteria provided, single submitter. Criteria: CeGaT Center For Human Genetics Tuebingen Variant Classification Criteria Version 2. Collection method: clinical testing. Allele origin: germline. Affected: yes. Observed: 1 variant allele.
Comment: SCN11A: BP5, BS2

Department of Pathology and Laboratory Medicine, Sinai Health System
Classification: Uncertain significance for Hereditary sensory and autonomic neuropathy type 7; Familial episodic pain syndrome with predominantly lower limb involvement. Last evaluated: 2022-01-21. Review status: criteria provided, single submitter. Criteria: ACMG Guidelines, 2015. Collection method: research. Allele origin: germline.

Ambry Genetics
Classification: Likely benign for Inborn genetic diseases. Last evaluated: 2020-02-04. Review status: criteria provided, single submitter. Criteria: Ambry Variant Classification Scheme 2023. Collection method: clinical testing. Allele origin: germline.